The following is an entry in ClinVar:

NM_004168.4(SDHA):c.1795-36G>C

Gene: SDHA (succinate dehydrogenase complex flavoprotein subunit A; plus strand). Cytogenetic location: 5p15.33.
Variant type: single nucleotide variant.
Coding change: c.1795-36G>C on transcript NM_004168.4 (MANE Select); 36 bases into the intron before coding-DNA position 1795, G replaced by C.
Molecular consequence: intron variant.
Genome position (GRCh38, 1-based): chr5:254,357, G>C. VCF-style: chr5-254357-G-C. GRCh37 (hg19) VCF-style: chr5-254472-G-C.
Other names: c.1552-36G>C (NM_001330758.2); c.1651-36G>C (NM_001294332.2).
Identifiers: ClinVar variation 3223729 (VCV003223729.2), dbSNP rs993524168, ClinGen allele CA112784119.

ClinVar aggregate classification (germline): Uncertain significance (1 of 4 stars; one submission).

Conditions:
Hereditary cancer-predisposing syndrome. Also called: Tumor predisposition; Hereditary neoplastic syndrome; Hereditary Cancer Syndrome; Neoplastic Syndromes, Hereditary. Identifiers: Orphanet 140162, MedGen C0027672, MeSH D009386, MONDO:0015356.

Allele frequency attached by ClinVar (database versions not stated): gnomAD 0.00001; TOPMed 0.00002.
gnomAD v4.1: 2 of 1,548,746 alleles (0.00013%); highest among the groups gnomAD compares: African/African-American, 0.0027%; no homozygotes.

Submission:

Ambry Genetics
Classification: Uncertain significance for Hereditary cancer-predisposing syndrome. Last evaluated: 2025-09-03. Review status: criteria provided, single submitter. Criteria: Ambry Variant Classification Scheme 2023. Collection method: clinical testing. Allele origin: germline.
Comment: The c.1795-36G>C intronic variant results from a G to C substitution 36 nucleotides upstream from coding exon 14 in the SDHA gene. This nucleotide position is well conserved in available vertebrate species. In silico splice site analysis predicts that this alteration will result in the creation or strengthening of a novel splice acceptor site; however, direct evidence is insufficient at this time (Ambry internal data). Since supporting evidence is limited at this time, the clinical significance of this alteration remains unclear.